The following is an entry in ClinVar:

NM_018975.4(TERF2IP):c.683A>C (p.Lys228Thr)

Gene: TERF2IP (TERF2 interacting protein; plus strand). Cytogenetic location: 16q23.1.
Variant type: single nucleotide variant.
Coding change: c.683A>C on transcript NM_018975.4 (MANE Select); coding-DNA position 683, A replaced by C.
Protein change: p.Lys228Thr; replaces lysine 228 with threonine.
Molecular consequence: missense variant. On other transcripts: non-coding transcript variant (1).
Genome position (GRCh38, 1-based): chr16:75,654,285, A>C. VCF-style: chr16-75654285-A-C. GRCh37 (hg19) VCF-style: chr16-75688183-A-C.
Other names: short protein forms K228T.
Identifiers: ClinVar variation 1755721 (VCV001755721.3), dbSNP rs2082368365, ClinGen allele CA396818925.

ClinVar aggregate classification (germline): Uncertain significance (1 of 4 stars; one submission).

Submission:

Ambry Genetics
Classification: Uncertain significance. Last evaluated: 2024-07-09. Review status: criteria provided, single submitter. Criteria: Ambry Variant Classification Scheme 2023. Collection method: clinical testing. Allele origin: germline.
Comment: The p.K228T variant (also known as c.683A>C), located in coding exon 2 of the TERF2IP gene, results from an A to C substitution at nucleotide position 683. The lysine at codon 228 is replaced by threonine, an amino acid with similar properties. This amino acid position is conserved. In addition, this alteration is predicted to be tolerated by in silico analysis. Since supporting evidence is limited at this time, the clinical significance of this alteration remains unclear.